The following is an entry in ClinVar:

NM_175914.5(HNF4A):c.334C>T (p.Arg112Trp)

Gene: HNF4A (hepatocyte nuclear factor 4 alpha; plus strand). Cytogenetic location: 20q13.12.
Variant type: single nucleotide variant.
Coding change: c.334C>T on transcript NM_175914.5 (MANE Select); coding-DNA position 334, C replaced by T.
Protein change: p.Arg112Trp; replaces arginine 112 with tryptophan.
Molecular consequence: missense variant.
Genome position (GRCh38, 1-based): chr20:44,413,708, C>T. VCF-style: chr20-44413708-C-T. GRCh37 (hg19) VCF-style: chr20-43042348-C-T.
Other names: NM_175914.5(HNF4A):c.334C>T; p.Arg112Trp; c.400C>T, p.Arg134Trp (NM_000457.6, NM_178849.3, NM_178850.3); c.334C>T, p.Arg112Trp (NM_001030003.3, NM_001030004.3); c.379C>T, p.Arg127Trp (NM_001258355.2); c.334C>T (NM_175914.4); c.325C>T, p.Arg109Trp (NM_001287182.2, NM_001287183.2, NM_001287184.2); short protein forms R109W, R112W, R127W, R134W.
Identifiers: ClinVar variation 995121 (VCV000995121.7), dbSNP rs370239205, ClinGen allele CA9870226.
Genomic context (GRCh38, chr20:44,413,708, plus strand): 5'-ACTCCATCCCTGTTCTCCCTCCTCACCTCTCTGTGCCTCCTCACAGCCGTCCAGAATGAG[C>T]GGGACCGGATCAGCACTCGAAGGTCAAGCTATGAGGACAGCAGCCTGCCCTCCATCAATG-3'
Protein context (NP_787110.2, residues 102-122): GMKKEAVQNE[Arg112Trp]DRISTRRSSY

ClinVar aggregate classification (germline): Pathogenic. Review status: reviewed by expert panel (3 of 4 stars). 4 submissions from 4 submitters: Pathogenic (1). 3 of the submissions do not count toward it. Last evaluated 2024-04-05.

Conditions:
Monogenic diabetes. Identifiers: Orphanet 183625, MedGen C3888631, MONDO:0015967.
HNF4A-related disorder. Also called: HNF4A-related condition.

Allele frequency attached by ClinVar (database versions not stated): ESP Exome Variant Server 0.00008.

Submissions (4):

ClinGen Monogenic Diabetes Variant Curation Expert Panel
Classification: Pathogenic for Monogenic diabetes. Last evaluated: 2024-04-05. Review status: reviewed by expert panel. Criteria: ClinGen Diabetes ACMG Specifications HNF4A V2.0.0. Collection method: curation. Allele origin: germline. Inheritance: Autosomal dominant inheritance.
Comment: The c.334C>T variant in the hepatocyte nuclear factor 4-alpha gene, HNF4A, causes an amino acid change of arginine to tryptophan at codon 112 (p.Arg112Trp)) of NM_175914.5. This variant has an incomputable gnomAD v2.1.1 Popmax filtering allele frequency due to zero copies in the European non-Finnish subpopulation and one copy in the Latino subpopulation, thereby meeting the ClinGen MDEP threshold criteria for PM2_Supporting (ENF Popmax FAF <= 0.000003 and <= 2 copies in ENF and <=1 copy in any other subpopulation) (PM2_Supporting). It was identified in 8 unrelated individuals with non- autoimmune and non-absolute/near-absolute insulin-deficient diabetes (PS4; PMID:29207974, 12627330, internal lab contributors). At least two of these individuals have a clinical history highly specific for HNF4A-MODY (MODY probability calculator result >50%, negative genetic testing for HNF1A, and responsive to low-dose sulfonylureas) (PP4_Moderate; internal lab contributor). Additionally, this variant segregated with diabetes, with 7 informative meioses in two families (PP1_Strong; PMID:12627330, internal lab contributor). This variant resides in an amino acid within the HNF4alpha DNA binding domain that directly binds DNA, which is defined as critical for the protein’s function by the ClinGen MDEP (PM1). It is also predicted to be deleterious by computational evidence, with a REVEL score of 0.95, which is greater than the MDEP VCEP threshold of 0.70 (PP3). Another missense variant, c.335G>A (p.Arg112Gln) has been interpreted as pathogenic by the ClinGen MDEP, and p.Arg112Trp has a greater Grantham distance (PM5). In summary, c.334C>T meets the criteria to be classified as pathogenic for monogenic diabetes. ACMG/AMP criteria applied, as specified by the ClinGen MDEP (specification version 2.0.0, approved 10/11/23): PP1_strong, PS4, PP4_Moderate, PM1, PM5, PP3, PM2_Supporting.

PreventionGenetics, part of Exact Sciences
Classification: Pathogenic for HNF4A-related condition. Last evaluated: 2026-04-25. Review status: criteria provided, single submitter. Criteria: ACMG Guidelines, 2015. Collection method: clinical testing. Allele origin: germline. Not counted in ClinVar's aggregate classification.
Comment: The HNF4A c.334C>T variant is predicted to result in the amino acid substitution p.Arg112Trp. This variant (also described as p.Arg125Trp and p.Arg134Trp using alternate transcripts) has been reported in multiple individuals with maturity-onset diabetes of the young (MODY) (see for example Pruhova et al. 2003. PubMed ID: 12627330; Bazalová et al. 2010. PubMed ID: 20132997; Bansal et al. 2017. PubMed ID: 29207974; Pezzilli et al. 2022. PubMed ID: 35112188; Table S3, Mirshahi et al. 2022. PubMed ID: 36257325). This variant was stated to segregate with disease in multiple members in one MODY family (Pruhova et al. 2003. PubMed ID: 12627330). This variant is reported in one individual (0.0029% of alleles) of Latino descent in gnomAD, and it is classified as pathogenic by the ClinGen Monogenic Diabetes Variant Curation Expert Panel (Variation ID: 995121). A different missense variant at the same amino acid position (p.Arg112Gln) has also been reported in individuals with MODY and classified as pathogenic (see for example: Harries et al. 2008. PubMed ID: 18356407; Sztromwasser et al. 2019. PubMed ID: 31825128). Given the evidence, the c.334C>T (p.Arg112Trp) variant is interpreted as pathogenic.

Labcorp Genetics (formerly Invitae), Labcorp
Classification: Pathogenic. Last evaluated: 2025-07-13. Review status: criteria provided, single submitter. Criteria: Invitae Variant Classification Sherloc (09022015). Collection method: clinical testing. Allele origin: germline. Not counted in ClinVar's aggregate classification.
Comment: This sequence change replaces arginine, which is basic and polar, with tryptophan, which is neutral and slightly polar, at codon 112 of the HNF4A protein (p.Arg112Trp). The frequency data for this variant in the population databases is considered unreliable, as metrics indicate poor data quality at this position in the gnomAD database. This missense change has been observed in individuals with clinical features of HNF4A-related conditions (PMID: 12627330, 20132997, 29207974, 35112188; external communication). It has also been observed to segregate with disease in related individuals. This variant is also known as R125W, R134W. ClinVar contains an entry for this variant (Variation ID: 995121). Invitae Evidence Modeling of protein sequence and biophysical properties (such as structural, functional, and spatial information, amino acid conservation, physicochemical variation, residue mobility, and thermodynamic stability) has been performed for this missense variant. However, the output from this modeling did not meet the statistical confidence thresholds required to predict the impact of this variant on HNF4A protein function. This variant disrupts the p.Arg112 amino acid residue in HNF4A. Other variant(s) that disrupt this residue have been determined to be pathogenic (PMID: 18356407, 26552609, 31825128). This suggests that this residue is clinically significant, and that variants that disrupt this residue are likely to be disease-causing. For these reasons, this variant has been classified as Pathogenic.

Athena Diagnostics
Classification: Uncertain significance. Last evaluated: 2022-09-30. Review status: criteria provided, single submitter. Criteria: Athena Diagnostics Criteria. Collection method: clinical testing. Allele origin: unknown. Not counted in ClinVar's aggregate classification.
Comment: Available data are insufficient to determine the clinical significance of the variant at this time. The frequency of this variant in the general population is uninformative in assessment of its pathogenicity. This variant has been identified in at least one individual with clinical features associated with this gene. At least one other missense variant at this codon is considered to be pathogenic or likely pathogenic, suggesting this variant may also cause disease. In some published literature, this variant is referred to as c.373C>T (p.Arg125Trp). Computational tools predict that this variant is damaging.

Literature cited by the submitters: PubMed 12627330 (cited by Labcorp Genetics (formerly Invitae), Labcorp and Athena Diagnostics); PubMed 20132997 (cited by Labcorp Genetics (formerly Invitae), Labcorp and Athena Diagnostics); PubMed 29207974 (cited by Labcorp Genetics (formerly Invitae), Labcorp and Athena Diagnostics); PubMed 35112188 (cited by Labcorp Genetics (formerly Invitae), Labcorp); PubMed 18356407 (cited by Labcorp Genetics (formerly Invitae), Labcorp); PubMed 26552609 (cited by Labcorp Genetics (formerly Invitae), Labcorp); PubMed 31825128 (cited by Labcorp Genetics (formerly Invitae), Labcorp); PubMed 26446475 (cited by Athena Diagnostics).